The following is an entry in ClinVar:

ClinVar aggregate classification (germline): Uncertain significance (1 of 4 stars; one submission).

Conditions:
Inborn genetic diseases. Identifiers: MedGen C0950123, MeSH D030342.

Submission:

Ambry Genetics
Classification: Uncertain significance for Inborn genetic diseases. Last evaluated: 2023-04-03. Review status: criteria provided, single submitter. Criteria: Ambry Variant Classification Scheme 2023. Collection method: clinical testing. Allele origin: germline.
Comment: The p.H1998Y variant (also known as c.5992C>T), located in coding exon 41 of the LRRK2 gene, results from a C to T substitution at nucleotide position 5992. The histidine at codon 1998 is replaced by tyrosine, an amino acid with similar properties. This amino acid position is conserved. In addition, this alteration is predicted to be deleterious by in silico analysis. Since supporting evidence is limited at this time, the clinical significance of this alteration remains unclear.

NM_198578.4(LRRK2):c.5992C>T (p.His1998Tyr)

Gene: LRRK2 (leucine rich repeat kinase 2; plus strand). Cytogenetic location: 12q12.
Variant type: single nucleotide variant.
Coding change: c.5992C>T on transcript NM_198578.4 (MANE Select); coding-DNA position 5992, C replaced by T.
Protein change: p.His1998Tyr; replaces histidine 1998 with tyrosine.
Molecular consequence: missense variant.
Genome position (GRCh38, 1-based): chr12:40,340,337, C>T. VCF-style: chr12-40340337-C-T. GRCh37 (hg19) VCF-style: chr12-40734139-C-T.
Other names: short protein forms H1998Y.
Identifiers: ClinVar variation 2567348 (VCV002567348.2), dbSNP rs2499947886, ClinGen allele CA384403665.